The following is an entry in ClinVar:

ClinVar aggregate classification (germline): Uncertain significance. Review status: criteria provided, multiple submitters, no conflicts (2 of 4 stars). 4 submissions from 3 submitters: Uncertain significance (4). Last evaluated 2024-04-12.

Conditions:
Long chain 3-hydroxyacyl-CoA dehydrogenase deficiency. Also called: Deficiency of long-chain 3-hydroxyacyl-coenzyme A dehydrogenase; LCHAD Deficiency. Identifiers: Orphanet 5, MedGen C3711645, MONDO:0012173, OMIM 609016.
Mitochondrial trifunctional protein deficiency. Identifiers: Orphanet 746, MedGen C1969443, MONDO:0012172.

Allele frequency attached by ClinVar (database versions not stated): ExAC 0.00002; gnomAD 0.00002 and 0.00003; gnomAD exomes 0.00003; TOPMed 0.00004; 1000 Genomes Project 0.00020; 1000 Genomes Project 30x 0.00031.
gnomAD v4.1: 51 of 1,601,936 alleles (0.0032%); highest among the groups gnomAD compares: Non-Finnish European, 0.0039%; no homozygotes.

Submissions (4):

Mayo Clinic Laboratories, Mayo Clinic
Classification: Uncertain significance. Last evaluated: 2024-04-12. Review status: criteria provided, single submitter. Criteria: ACMG Guidelines, 2015. Collection method: clinical testing. Allele origin: germline. Observed: 1 variant allele.
Comment: PM2

Fulgent Genetics
Classification: Uncertain significance for Mitochondrial trifunctional protein deficiency 1; Long chain 3-hydroxyacyl-CoA dehydrogenase deficiency. Last evaluated: 2021-10-12. Review status: criteria provided, single submitter. Criteria: ACMG Guidelines, 2015. Collection method: clinical testing. Allele origin: unknown.

Illumina Laboratory Services, Illumina
Classification: Uncertain significance for Long chain 3-hydroxyacyl-CoA dehydrogenase deficiency. Last evaluated: 2018-01-12. Review status: criteria provided, single submitter. Criteria: ICSL Variant Classification Criteria 13 December 2019. Collection method: clinical testing. Allele origin: germline.

Illumina Laboratory Services, Illumina
Classification: Uncertain significance for Mitochondrial trifunctional protein deficiency 1. Last evaluated: 2018-01-12. Review status: criteria provided, single submitter. Criteria: ICSL Variant Classification Criteria 13 December 2019. Collection method: clinical testing. Allele origin: germline.

NM_000182.5(HADHA):c.1912A>G (p.Ile638Val)

Genes: GAREM2 (GRB2 associated regulator of MAPK1 subtype 2; plus strand), HADHA (hydroxyacyl-CoA dehydrogenase trifunctional multienzyme complex subunit alpha; minus strand). Cytogenetic location: 2p23.3.
Variant type: single nucleotide variant.
Coding change: c.1912A>G on transcript NM_000182.5 (MANE Select); coding-DNA position 1912, A replaced by G.
Protein change: p.Ile638Val; replaces isoleucine 638 with valine.
Molecular consequence: missense variant.
Genome position (GRCh38, 1-based): chr2:26,192,398, T>C on the plus strand (A>G on the coding strand, the complement: HADHA is on the minus strand). VCF-style: chr2-26192398-T-C. GRCh37 (hg19) VCF-style: chr2-26415267-T-C.
Other names: p.Ile638Val; short protein forms I638V.
Identifiers: ClinVar variation 335375 (VCV000335375.7), dbSNP rs545660610, ClinGen allele CA1559418.
Genomic context (GRCh38, chr2:26,192,398, plus strand): 5'-TCGCTAAAATACTATCCATGTCAGAATTCAAATCCTTCCTCTTCACACCCTCCTGATAGA[T>C]GTAAAAGCCCTTCCCAGATTTACGACCTAAAACAGGCAAGAAAAGGGAGTGTTACTATTT-3'
Protein context (NP_000173.2, residues 628-648): LGRKSGKGFY[Ile638Val]YQEGVKRKDL